The following is an entry in ClinVar:

NM_001042492.3(NF1):c.332_335del (p.Lys111fs)

Gene: NF1 (neurofibromin 1; plus strand). Cytogenetic location: 17q11.2.
Variant type: Deletion.
Coding change: c.332_335del on transcript NM_001042492.3 (MANE Select); coding-DNA positions 332 to 335, 4 bases deleted (AACA; older notation c.332_335delAACA).
Protein change: p.Lys111fs; shifts the reading frame from lysine 111.
Molecular consequence: frameshift variant.
Genome position (GRCh38, 1-based): chr17:31,163,229-31,163,232, AACA deleted; deleting any 4 consecutive bases within chr17:31,163,227-31,163,232 gives the same sequence; the c. name uses the placement nearest the transcript's 3' end. VCF-style (leftmost placement, unchanged base first): chr17-31163226-TCAAA-T. GRCh37 (hg19) VCF-style: chr17-29490244-TCAAA-T.
Other names: c.332_335delAACA, p.Lys111Serfs (NM_000267.4, NM_001042492.2); c.332_335del, p.Lys111fs (NM_001128147.3); short protein forms K111fs.
Identifiers: ClinVar variation 431561 (VCV000431561.3), dbSNP rs1135402787, ClinGen allele CA645372606.

ClinVar aggregate classification (germline): Pathogenic/Likely pathogenic. Review status: criteria provided, multiple submitters, no conflicts (2 of 4 stars). 3 submissions from 3 submitters: Pathogenic (1); Likely pathogenic (1). 1 of the submissions does not count toward it. Last evaluated 2024-04-15.

Conditions:
Neurofibromatosis, type 1 (NF1). Also called: Neurofibromatosis, type I; NEUROFIBROMATOSIS, TYPE I, SOMATIC; Peripheral type neurofibromatosis; VON RECKLINGHAUSEN DISEASE. Identifiers: Orphanet 636, MedGen C0027831, MONDO:0018975, OMIM 162200. Disease mechanism: loss of function.

Submissions (3):

Labcorp Genetics (formerly Invitae), Labcorp
Classification: Pathogenic for Neurofibromatosis, type 1. Last evaluated: 2024-04-15. Review status: criteria provided, single submitter. Criteria: Invitae Variant Classification Sherloc (09022015). Collection method: clinical testing. Allele origin: germline.
Comment: This sequence change creates a premature translational stop signal (p.Lys111Serfs*53) in the NF1 gene. It is expected to result in an absent or disrupted protein product. Loss-of-function variants in NF1 are known to be pathogenic (PMID: 10712197, 23913538). This variant is not present in population databases (gnomAD no frequency). This variant has not been reported in the literature in individuals affected with NF1-related conditions. ClinVar contains an entry for this variant (Variation ID: 431561). For these reasons, this variant has been classified as Pathogenic.

Neuberg Centre For Genomic Medicine, NCGM
Classification: Likely pathogenic for Neurofibromatosis, type 1. Last evaluated: 2023-06-22. Review status: criteria provided, single submitter. Criteria: ACMG Guidelines, 2015. Collection method: clinical testing. Allele origin: germline. Inheritance: Autosomal dominant inheritance. Affected: yes.
Comment: The observed frameshift c.332_335del(p.Lys111SerfsTer53) variant in NF1 gene has not been reported previously as a pathogenic variant nor as a benign variant, to our knowledge. This variant is absent in gnomAD Exomes. This variant has been reported to the ClinVar database as Pathogenic. This variant causes a frameshift starting with codon Lysine 111, changes this amino acid to Serine residue, and creates a premature Stop codon at position 53 of the new reading frame, denoted p.Lys111SerfsTer53. This variant is predicted to cause loss of normal protein function through protein truncation. Loss of function variants have been previously reported to be disease causing (Banerjee et al., 2016). For these reasons, this variant has been classified as Likely Pathogenic.

Medical Genetics, University of Parma
Classification: Pathogenic for Neurofibromatosis type 1. Last evaluated: 2017-02-02. Review status: no assertion criteria provided. Collection method: clinical testing. Allele origin: germline. Affected: yes. Not counted in ClinVar's aggregate classification.

Literature cited by the submitters: PubMed 10712197 (cited by Labcorp Genetics (formerly Invitae), Labcorp); PubMed 23913538 (cited by Labcorp Genetics (formerly Invitae), Labcorp).